The following is an entry in ClinVar:

ClinVar aggregate classification (germline): Pathogenic (1 of 4 stars; one submission).

Conditions:
Congenital lipoid adrenal hyperplasia due to STAR deficency. Also called: ADRENAL HYPERPLASIA I; Cholesterol monooxygenase (side-chain cleaving) deficiency; Congenital Lipoid Adrenal Hyperplasia; Lipoid adrenal hyperplasia. Identifiers: Orphanet 418, Orphanet 90790, MedGen C0342474, MONDO:0008725, OMIM 201710.

Submission:

Myriad Genetics, Inc.
Classification: Pathogenic for Congenital lipoid adrenal hyperplasia due to STAR deficency. Last evaluated: 2023-09-30. Review status: criteria provided, single submitter. Criteria: Myriad Autosomal Dominant, Autosomal Recessive and X-Linked Classification Criteria (2023). Collection method: clinical testing. Allele origin: unknown.
Comment: NM_000349.2(STAR):c.373_376del4ins14(V125Lfs*14) is expected to be pathogenic in the context of lipoid congenital adrenal hyperplasia. This variant is predicted to lead to an abnormal or absent protein product due to the creation of a premature termination codon in STAR, a gene where loss-of-function variants are known to be pathogenic. Please note: this variant was assessed in the context of healthy population screening.

NM_000349.3(STAR):c.373_376delinsCTGCCACCCGCACC (p.Val125fs)

Gene: STAR (steroidogenic acute regulatory protein; minus strand). Cytogenetic location: 8p11.23.
Variant type: Indel.
Coding change: c.373_376delinsCTGCCACCCGCACC on transcript NM_000349.3 (MANE Select); coding-DNA positions 373 to 376, GTGG replaced by CTGCCACCCGCACC.
Protein change: p.Val125fs; shifts the reading frame from valine 125.
Molecular consequence: frameshift variant.
Genome position (GRCh38, 1-based): chr8:38,146,378-38,146,381, CCAC replaced by GGTGCGGGTGGCAG on the plus strand (GTGG replaced by CTGCCACCCGCACC on the coding strand, the reverse complement: STAR is on the minus strand). VCF-style: chr8-38146378-CCAC-GGTGCGGGTGGCAG. GRCh37 (hg19) VCF-style: chr8-38003896-CCAC-GGTGCGGGTGGCAG.
Other names: short protein forms V125fs.
Identifiers: ClinVar variation 5012338 (VCV005012338.1).
Genomic context (GRCh38, chr8:38,146,378, plus strand): 5'-CCCCCATTGCTTCCATGCGCTCCACGAGCTCTTCATAGAGCCTCTCCATGGGCTGGTCCA[CCAC>GGTGCGGGTGGCAG]GACCTCCAGCCGGAACACCTTGCCCACATCTGGGACCACTTTACTCATCACTTTGTCCCC-3'